The following is an entry in ClinVar:

ClinVar aggregate classification (germline): Likely pathogenic (1 of 4 stars; one submission).

Conditions:
Autosomal recessive Alport syndrome (ATS2). Also called: COL4A3-Related Nephropathy; COL4A4 Alport Syndrome and Thin Basement Membrane Nephropathy; ALPORT SYNDROME 2, AUTOSOMAL RECESSIVE; Alport syndrome type 2. Identifiers: Orphanet 63, Orphanet 88919, MedGen C4746745, MONDO:0008762, OMIM 203780.

Submission:

Neuberg Centre For Genomic Medicine, NCGM
Classification: Likely pathogenic for Autosomal recessive Alport syndrome. Review status: criteria provided, single submitter. Criteria: ACMG Guidelines, 2015. Collection method: clinical testing. Allele origin: germline. Inheritance: Autosomal recessive inheritance. Affected: yes.
Comment: The frameshift COL4A4 (c.2880dup) variant has not been reported previously as a pathogenic variant nor as a benign variant, to our knowledge. The p.Asp961ArgfsTer2 variant is novel (not in any individuals) in gnomAD Exomes and 1000 Genomes. This variant causes a frameshift starting with codon Aspartic Acid 961, changes this amino acid to Arginine residue, and creates a premature Stop codon at position 2 of the new reading frame, denoted p.Asp961ArgfsTer2. For these reasons, this variant has been classified as Likely Pathogenic.

NM_000092.5(COL4A4):c.2880dup (p.Asp961fs)

Gene: COL4A4 (collagen type IV alpha 4 chain; minus strand). Cytogenetic location: 2q36.3.
Variant type: Duplication.
Coding change: c.2880dup on transcript NM_000092.5 (MANE Select); coding-DNA position 2880, one base duplicated (A; older notation c.2880dupA).
Protein change: p.Asp961fs; shifts the reading frame from aspartic acid 961.
Molecular consequence: frameshift variant.
Genome position (GRCh38, 1-based): chr2:227,052,393, T duplicated on the plus strand (A on the coding strand, the reverse complement: COL4A4 is on the minus strand). VCF-style (leftmost placement, unchanged base first): chr2-227052392-C-CT. GRCh37 (hg19) VCF-style: chr2-227917108-C-CT.
Other names: short protein forms D961fs.
Identifiers: ClinVar variation 2585322 (VCV002585322.1), dbSNP rs2474010597, ClinGen allele CA2582342141.